The following is an entry in ClinVar:

NM_014236.4(GNPAT):c.569-3T>C

Gene: GNPAT (glyceronephosphate O-acyltransferase; plus strand). Cytogenetic location: 1q42.2.
Variant type: single nucleotide variant.
Coding change: c.569-3T>C on transcript NM_014236.4 (MANE Select); 3 bases into the intron before coding-DNA position 569, T replaced by C.
Molecular consequence: intron variant.
Genome position (GRCh38, 1-based): chr1:231,265,290, T>C. VCF-style: chr1-231265290-T-C. GRCh37 (hg19) VCF-style: chr1-231401036-T-C.
Other names: c.386-3T>C (NM_001316350.2).
Identifiers: ClinVar variation 1467988 (VCV001467988.3), dbSNP rs745869264, ClinGen allele CA1451830.

ClinVar aggregate classification (germline): Uncertain significance (1 of 4 stars; one submission).

Allele frequency attached by ClinVar (database versions not stated): gnomAD 0.00001; ExAC 0.00002; gnomAD exomes 0.00001; TOPMed below 0.00001.
gnomAD v4.1: 20 of 1,608,274 alleles (0.0012%); highest among the groups gnomAD compares: Non-Finnish European, 0.0017%; no homozygotes.

Submission:

Labcorp Genetics (formerly Invitae), Labcorp
Classification: Uncertain significance. Last evaluated: 2022-06-20. Review status: criteria provided, single submitter. Criteria: Invitae Variant Classification Sherloc (09022015). Collection method: clinical testing. Allele origin: germline.
Comment: This sequence change falls in intron 4 of the GNPAT gene. It does not directly change the encoded amino acid sequence of the GNPAT protein. It affects a nucleotide within the consensus splice site. This variant is present in population databases (rs745869264, gnomAD 0.003%). This variant has not been reported in the literature in individuals affected with GNPAT-related conditions. Variants that disrupt the consensus splice site are a relatively common cause of aberrant splicing (PMID: 17576681, 9536098). Algorithms developed to predict the effect of sequence changes on RNA splicing suggest that this variant is not likely to affect RNA splicing. In summary, the available evidence is currently insufficient to determine the role of this variant in disease. Therefore, it has been classified as a Variant of Uncertain Significance.

Literature cited by the submitters: PubMed 17576681; PubMed 9536098.